The following is an entry in ClinVar:

ClinVar aggregate classification (germline): Benign/Likely benign. Review status: criteria provided, multiple submitters, no conflicts (2 of 4 stars). 6 submissions from 6 submitters: Benign (2); Likely benign (4). Last evaluated 2025-03-27.

Conditions:
Hereditary cancer-predisposing syndrome. Also called: Tumor predisposition; Hereditary Cancer Syndrome; Hereditary neoplastic syndrome; Neoplastic Syndromes, Hereditary. Identifiers: Orphanet 140162, MedGen C0027672, MeSH D009386, MONDO:0015356.
Peutz-Jeghers syndrome (PJS). Also called: POLYPOSIS, HAMARTOMATOUS INTESTINAL; POLYPS-AND-SPOTS SYNDROME; Peutz-Jeghers polyposis; Periorificial lentiginosis syndrome. Identifiers: Orphanet 2869, MedGen C0031269, MeSH D010580, MONDO:0008280, OMIM 175200.

Allele frequency attached by ClinVar (database versions not stated): gnomAD 0.00001; gnomAD exomes 0.00001; TOPMed 0.00001; ExAC 0.00009.
gnomAD v4.1: 9 of 1,569,676 alleles (0.00057%); highest among the groups gnomAD compares: South Asian, 0.0012%; no homozygotes.

Submissions (6):

Myriad Genetics, Inc.
Classification: Benign for Peutz-Jeghers syndrome. Last evaluated: 2025-03-27. Review status: criteria provided, single submitter. Criteria: Myriad Autosomal Dominant, Autosomal Recessive and X-Linked Classification Criteria (2023). Collection method: clinical testing. Allele origin: unknown.
Comment: This variant is considered benign. This variant is a silent/synonymous amino acid change and it is not expected to impact splicing.

Labcorp Genetics (formerly Invitae), Labcorp
Classification: Likely benign for Peutz-Jeghers syndrome. Last evaluated: 2024-11-11. Review status: criteria provided, single submitter. Criteria: Invitae Variant Classification Sherloc (09022015). Collection method: clinical testing. Allele origin: germline.

Genome-Nilou Lab
Classification: Likely benign for Peutz-Jeghers syndrome. Last evaluated: 2021-07-15. Review status: criteria provided, single submitter. Criteria: ACMG Guidelines, 2015. Collection method: clinical testing. Allele origin: germline. Affected: no.

Color Diagnostics, LLC DBA Color Health
Classification: Likely benign for Hereditary cancer-predisposing syndrome. Last evaluated: 2016-11-14. Review status: criteria provided, single submitter. Criteria: ACMG Guidelines, 2015. Collection method: clinical testing. Allele origin: germline.

Ambry Genetics
Classification: Likely benign for Hereditary cancer-predisposing syndrome. Last evaluated: 2016-05-26. Review status: criteria provided, single submitter. Criteria: Ambry Variant Classification Scheme 2023. Collection method: clinical testing. Allele origin: germline.

GeneDx
Classification: Benign. Last evaluated: 2015-03-03. Review status: criteria provided, single submitter. Criteria: GeneDx Variant Classification Process June 2021. Collection method: clinical testing. Allele origin: germline. Affected: yes.

NM_000455.5(STK11):c.897C>T (p.Ser299=)

Gene: STK11 (serine/threonine kinase 11; plus strand). Cytogenetic location: 19p13.3.
Variant type: single nucleotide variant.
Coding change: c.897C>T on transcript NM_000455.5 (MANE Select); coding-DNA position 897, C replaced by T.
Protein change: p.Ser299=; no amino-acid change (serine 299 retained).
Molecular consequence: synonymous variant.
Genome position (GRCh38, 1-based): chr19:1,221,983, C>T. VCF-style: chr19-1221983-C-T. GRCh37 (hg19) VCF-style: chr19-1221982-C-T.
Identifiers: ClinVar variation 184012 (VCV000184012.24), dbSNP rs769013935, ClinGen allele CA023333.